The following is an entry in ClinVar:

NM_000038.6(APC):c.8449G>C (p.Asp2817His)

Gene: APC (APC regulator of Wnt signaling pathway; plus strand). Cytogenetic location: 5q22.2.
Variant type: single nucleotide variant.
Coding change: c.8449G>C on transcript NM_000038.6 (MANE Select); coding-DNA position 8449, G replaced by C.
Protein change: p.Asp2817His; replaces aspartic acid 2817 with histidine.
Molecular consequence: missense variant.
Genome position (GRCh38, 1-based): chr5:112,844,043, G>C. VCF-style: chr5-112844043-G-C. GRCh37 (hg19) VCF-style: chr5-112179740-G-C.
Other names: c.8449G>C, p.Asp2817His (NM_001127510.3, NM_001354895.2, NM_001407450.1); c.8395G>C, p.Asp2799His (NM_001127511.3); c.8503G>C, p.Asp2835His (NM_001354896.2, NM_001407447.1, NM_001407448.1 and 1 more transcripts); c.8479G>C, p.Asp2827His (NM_001354897.2); c.8374G>C, p.Asp2792His (NM_001354898.2); c.8365G>C, p.Asp2789His (NM_001354899.2); c.8326G>C, p.Asp2776His (NM_001354900.2); c.8272G>C, p.Asp2758His (NM_001354901.2, NM_001407453.1); and 11 more; short protein forms D2433H, D2688H, D2810H, D2817H, D2835H, D2534H, D2758H, D2657H.
Identifiers: ClinVar variation 1763418 (VCV001763418.2), dbSNP rs2150005596, ClinGen allele CA16039658.

ClinVar aggregate classification (germline): Uncertain significance (1 of 4 stars; one submission).

Conditions:
Hereditary cancer-predisposing syndrome. Also called: Neoplastic Syndromes, Hereditary; Tumor predisposition; Hereditary Cancer Syndrome; Hereditary neoplastic syndrome. Identifiers: Orphanet 140162, MedGen C0027672, MeSH D009386, MONDO:0015356.

Submission:

Ambry Genetics
Classification: Uncertain significance for Hereditary cancer-predisposing syndrome. Last evaluated: 2022-05-17. Review status: criteria provided, single submitter. Criteria: Ambry Variant Classification Scheme 2023. Collection method: clinical testing. Allele origin: germline.
Comment: The p.D2817H variant (also known as c.8449G>C), located in coding exon 15 of the APC gene, results from a G to C substitution at nucleotide position 8449. The aspartic acid at codon 2817 is replaced by histidine, an amino acid with similar properties. This amino acid position is conserved. In addition, in silico predictors for this gene do not accurately predict pathogenicity. Since supporting evidence is limited at this time, the clinical significance of this alteration remains unclear.